The following is an entry in ClinVar:

NM_173551.5(ANKS6):c.806A>G (p.Lys269Arg)

Gene: ANKS6 (ankyrin repeat and sterile alpha motif domain containing 6; minus strand). Cytogenetic location: 9q22.33.
Variant type: single nucleotide variant.
Coding change: c.806A>G on transcript NM_173551.5 (MANE Select); coding-DNA position 806, A replaced by G.
Protein change: p.Lys269Arg; replaces lysine 269 with arginine.
Molecular consequence: missense variant.
Genome position (GRCh38, 1-based): chr9:98,790,160, T>C on the plus strand (A>G on the coding strand, the complement: ANKS6 is on the minus strand). VCF-style: chr9-98790160-T-C. GRCh37 (hg19) VCF-style: chr9-101552442-T-C.
Other names: short protein forms K269R.
Identifiers: ClinVar variation 566672 (VCV000566672.14), dbSNP rs200902480, ClinGen allele CA5153741.
Genomic context (GRCh38, chr9:98,790,160, plus strand): 5'-TGACCTGTTTTGGGCCTGACGGTGGTCAGCGGGTCCAGGTAGTCTACAAGGTCCCTGTGC[T>C]TGCAGTCCAGTGCAACCTCGAAGGCGGTCTTCTCCAGCACGCTGAGGTGGTCAGGGTTGG-3'
Protein context (NP_775822.3, residues 259-279): KTAFEVALDC[Lys269Arg]HRDLVDYLDP

ClinVar aggregate classification (germline): Conflicting classifications of pathogenicity. Review status: criteria provided, conflicting classifications (1 of 4 stars). 4 submissions from 4 submitters: Uncertain significance (3); Likely benign (1). Last evaluated 2026-01-12.

Conditions:
Nephronophthisis 16 (NPHP16). Identifiers: Orphanet 655, MedGen C3809320, MONDO:0014158, OMIM 615382.

Allele frequency attached by ClinVar (database versions not stated): gnomAD 0.00028 and 0.00035; TOPMed 0.00030; 1000 Genomes Project 30x 0.00031; gnomAD exomes 0.00034 and 0.00047; ESP Exome Variant Server 0.00039; 1000 Genomes Project 0.00040; ExAC 0.00049.
gnomAD v4.1: 545 of 1,593,788 alleles (0.034%); highest among the groups gnomAD compares: Middle Eastern, 0.18%; 3 homozygotes.

Submissions (4):

Labcorp Genetics (formerly Invitae), Labcorp
Classification: Uncertain significance for Nephronophthisis 16. Last evaluated: 2026-01-12. Review status: criteria provided, single submitter. Criteria: Invitae Variant Classification Sherloc (09022015). Collection method: clinical testing. Allele origin: germline.
Comment: This sequence change replaces lysine, which is basic and polar, with arginine, which is basic and polar, at codon 269 of the ANKS6 protein (p.Lys269Arg). This variant is present in population databases (rs200902480, gnomAD 0.1%), and has an allele count higher than expected for a pathogenic variant. This missense change has been observed in individual(s) with chronic kidney disease (PMID: 24610927). ClinVar contains an entry for this variant (Variation ID: 566672). An algorithm developed to predict the effect of missense changes on protein structure and function outputs the following: PolyPhen-2: "Benign". The arginine amino acid residue is found in multiple mammalian species, which suggests that this missense change does not adversely affect protein function. In summary, the available evidence is currently insufficient to determine the role of this variant in disease. Therefore, it has been classified as a Variant of Uncertain Significance.

Blueprint Genetics
Classification: Likely benign. Last evaluated: 2024-11-05. Review status: criteria provided, single submitter. Criteria: ACMG Guidelines, 2015. Collection method: clinical testing. Allele origin: germline.

Fulgent Genetics
Classification: Uncertain significance for Nephronophthisis 16. Last evaluated: 2024-03-12. Review status: criteria provided, single submitter. Criteria: ACMG Guidelines, 2015. Collection method: clinical testing. Allele origin: germline.

Breakthrough Genomics
Classification: Uncertain significance. Review status: criteria provided, single submitter. Criteria: ACMG Guidelines, 2015. Collection method: not provided. Allele origin: germline. Inheritance: Autosomal recessive inheritance. Affected: yes.

Literature cited by the submitters: PubMed 24610927 (cited by Labcorp Genetics (formerly Invitae), Labcorp).